The following is an entry in ClinVar:

ClinVar aggregate classification (germline): Uncertain significance (1 of 4 stars; one submission).

gnomAD v4.1: 2 of 1,613,260 alleles (0.00012%); highest among the groups gnomAD compares: African/African-American, 0.0027%; no homozygotes.

Submission:

Labcorp Genetics (formerly Invitae), Labcorp
Classification: Uncertain significance. Last evaluated: 2025-03-30. Review status: criteria provided, single submitter. Criteria: Invitae Variant Classification Sherloc (09022015). Collection method: clinical testing. Allele origin: germline.
Comment: This sequence change replaces arginine, which is basic and polar, with glutamine, which is neutral and polar, at codon 94 of the SNRPB protein (p.Arg94Gln). This variant is not present in population databases (gnomAD no frequency). This variant has not been reported in the literature in individuals affected with SNRPB-related conditions. An algorithm developed to predict the effect of missense changes on protein structure and function (PolyPhen-2) suggests that this variant is likely to be tolerated. In summary, the available evidence is currently insufficient to determine the role of this variant in disease. Therefore, it has been classified as a Variant of Uncertain Significance.

NM_003091.4(SNRPB):c.281G>A (p.Arg94Gln)

Gene: SNRPB (small nuclear ribonucleoprotein polypeptides B and B1; minus strand). Cytogenetic location: 20p13.
Variant type: single nucleotide variant.
Coding change: c.281G>A on transcript NM_003091.4 (MANE Select); coding-DNA position 281, G replaced by A.
Protein change: p.Arg94Gln; replaces arginine 94 with glutamine.
Molecular consequence: missense variant.
Genome position (GRCh38, 1-based): chr20:2,463,886, C>T on the plus strand (G>A on the coding strand, the complement: SNRPB is on the minus strand). VCF-style: chr20-2463886-C-T. GRCh37 (hg19) VCF-style: chr20-2444532-C-T.
Other names: c.281G>A, p.Arg94Gln (NM_198216.2); short protein forms R94Q.
Identifiers: ClinVar variation 4775473 (VCV004775473.1).